The following is an entry in ClinVar:

NM_000214.3(JAG1):c.488C>A (p.Pro163His)

Gene: JAG1 (jagged canonical Notch ligand 1; minus strand). Cytogenetic location: 20p12.2.
Variant type: single nucleotide variant.
Coding change: c.488C>A on transcript NM_000214.3 (MANE Select); coding-DNA position 488, C replaced by A.
Protein change: p.Pro163His; replaces proline 163 with histidine.
Molecular consequence: missense variant.
Genome position (GRCh38, 1-based): chr20:10,658,674, G>T on the plus strand (C>A on the coding strand, the complement: JAG1 is on the minus strand). VCF-style: chr20-10658674-G-T. GRCh37 (hg19) VCF-style: chr20-10639322-G-T.
Other names: short protein forms P163H.
Identifiers: ClinVar variation 3573040 (VCV003573040.2).

Conditions:
Arteriohepatic dysplasia. Also called: Alagille Syndrome. Identifiers: Orphanet 52, MedGen C0085280, MeSH D016738, MONDO:0007318.

Submission:

Gilbert/Spinner Lab, Children's Hospital of Philadelphia
No classification provided (evidence only). Condition: Alagille syndrome. Review status: no classification provided. Collection method: research. Allele origin: not applicable. Functional consequence: functionally_abnormal.
ClinVar note: "not provided" was previously submitted as the classification for the variant. However, the classification appeared to be based only on an observation of functional data so it was converted to no classification on 2025-07-30.